The following is an entry in ClinVar:

ClinVar aggregate classification (germline): Uncertain significance (1 of 4 stars; one submission).

Conditions:
Beckwith-Wiedemann syndrome (BWS). Also called: EMG SYNDROME; Exomphalos macroglossia gigantism syndrome. Identifiers: Orphanet 116, MedGen C0004903, MONDO:0007534, OMIM 130650.

Submission:

Labcorp Genetics (formerly Invitae), Labcorp
Classification: Uncertain significance for Beckwith-Wiedemann syndrome. Last evaluated: 2024-06-12. Review status: criteria provided, single submitter. Criteria: Invitae Variant Classification Sherloc (09022015). Collection method: clinical testing. Allele origin: germline.
Comment: This sequence change creates a premature translational stop signal (p.Leu6Profs*119) in the CDKN1C gene. It is unclear whether it will result in an absent or disrupted protein product because an in-frame methionine located at codon 12 has the potential to rescue this variant. This variant is present in population databases (no rsID available, gnomAD no frequency). This variant has not been reported in the literature in individuals affected with CDKN1C-related conditions. ClinVar contains an entry for this variant (Variation ID: 1072995). Studies have shown that the CDKN1C protein created from a downstream translation initiation methionine at codon 12 (Met12) is an abundant CDKN1C isoform (PMID: 33443097). Also, there is no characterized functional domain before Met12, suggesting that variants affecting the region may not be functionally disruptive. In summary, the available evidence is currently insufficient to determine the role of this variant in disease. Therefore, it has been classified as a Variant of Uncertain Significance.

Literature cited by the submitters: PubMed 33443097.

NM_001122630.2(CDKN1C):c.-10-10dup

Gene: CDKN1C (cyclin dependent kinase inhibitor 1C; minus strand). Cytogenetic location: 11p15.4.
Variant type: Duplication.
Coding change: c.-10-10dup on transcript NM_001122630.2 (MANE Select); 10 bases into the intron before 10 bases upstream of the start codon, one base duplicated (C; older notation c.-10-10dupC).
Molecular consequence: intron variant. On other transcripts: frameshift variant (2).
Genome position (GRCh38, 1-based): chr11:2,885,474, G duplicated on the plus strand (C on the coding strand, the reverse complement: CDKN1C is on the minus strand); the first of 3 consecutive G bases (chr11:2,885,474-2,885,476); duplicating any one gives the same sequence. VCF-style (leftmost placement, unchanged base first): chr11-2885473-A-AG. GRCh37 (hg19) VCF-style: chr11-2906703-A-AG.
Other names: c.16dup, p.Leu6fs (NM_000076.2, NM_001362474.2); c.-10-10dup (NM_001362475.2, NM_001122631.2); short protein forms L6fs.
Identifiers: ClinVar variation 1072995 (VCV001072995.7), dbSNP rs1564930907, ClinGen allele CA597116093.